The following is an entry in ClinVar:

ClinVar aggregate classification (germline): Uncertain significance (1 of 4 stars; one submission).

Conditions:
Inborn genetic diseases. Identifiers: MedGen C0950123, MeSH D030342.

gnomAD v4.1: 1 of 1,612,936 alleles (0.000062%); highest among the groups gnomAD compares: Non-Finnish European, 0.000085%; no homozygotes.

Submission:

Ambry Genetics
Classification: Uncertain significance for Inborn genetic diseases. Last evaluated: 2019-11-27. Review status: criteria provided, single submitter. Criteria: Ambry Variant Classification Scheme 2023. Collection method: clinical testing. Allele origin: germline.
Comment: The c.10252-4G>T intronic variant results from a G to T substitution 4 nucleotides upstream from coding exon 56 in the DST gene. This nucleotide position is not well conserved in available vertebrate species. Using the BDGP and ESEfinder splice site prediction tools, this alteration is not predicted to have any significant effect on this splice acceptor/donor site; however, direct evidence is unavailable. Since supporting evidence is limited at this time, the clinical significance of this alteration remains unclear.

NM_001374736.1(DST):c.16609-4G>T

Gene: DST (dystonin; minus strand). Cytogenetic location: 6p12.1.
Variant type: single nucleotide variant.
Coding change: c.16609-4G>T on transcript NM_001374736.1 (MANE Select); 4 bases into the intron before coding-DNA position 16609, G replaced by T.
Molecular consequence: intron variant.
Genome position (GRCh38, 1-based): chr6:56,536,944, C>A on the plus strand (G>T on the coding strand, the complement: DST is on the minus strand). VCF-style: chr6-56536944-C-A. GRCh37 (hg19) VCF-style: chr6-56401742-C-A.
Other names: c.10252-4G>T (NM_001144769.5); c.16609-4G>T (NM_001374722.1); c.16636-4G>T (NM_001374734.1); c.9838-4G>T (NM_001144770.2); c.9718-4G>T (NM_001374730.1, NM_001386100.1, NM_183380.4); c.15976-4G>T (NM_001374729.1); c.8740-4G>T (NM_015548.5).
Identifiers: ClinVar variation 1769185 (VCV001769185.2), dbSNP rs2097015114, ClinGen allele CA2580075565.